The following is an entry in ClinVar:

ClinVar aggregate classification (germline): Uncertain significance (1 of 4 stars; one submission).

Conditions:
Combined immunodeficiency due to LRBA deficiency. Also called: Common variable immunodeficiency 8, with autoimmunity. Identifiers: Orphanet 445018, MedGen C3553512, MONDO:0013863, OMIM 614700.

Submission:

Labcorp Genetics (formerly Invitae), Labcorp
Classification: Uncertain significance for Combined immunodeficiency due to LRBA deficiency. Last evaluated: 2019-05-04. Review status: criteria provided, single submitter. Criteria: Invitae Variant Classification Sherloc (09022015). Collection method: clinical testing. Allele origin: germline.
Comment: This sequence change replaces serine with cysteine at codon 1174 of the LRBA protein (p.Ser1174Cys). The serine residue is weakly conserved and there is a moderate physicochemical difference between serine and cysteine. In summary, the available evidence is currently insufficient to determine the role of this variant in disease. Therefore, it has been classified as a Variant of Uncertain Significance. Algorithms developed to predict the effect of missense changes on protein structure and function (SIFT, PolyPhen-2, Align-GVGD) all suggest that this variant is likely to be tolerated, but these predictions have not been confirmed by published functional studies and their clinical significance is uncertain. This variant has not been reported in the literature in individuals with LRBA-related disease. This variant is not present in population databases (ExAC no frequency).

NM_001364905.1(LRBA):c.3521C>G (p.Ser1174Cys)

Gene: LRBA (LPS responsive beige-like anchor protein; minus strand). Cytogenetic location: 4q31.3.
Variant type: single nucleotide variant.
Coding change: c.3521C>G on transcript NM_001364905.1 (MANE Select); coding-DNA position 3521, C replaced by G.
Protein change: p.Ser1174Cys; replaces serine 1174 with cysteine.
Molecular consequence: missense variant.
Genome position (GRCh38, 1-based): chr4:150,852,189, G>C on the plus strand (C>G on the coding strand, the complement: LRBA is on the minus strand). VCF-style: chr4-150852189-G-C. GRCh37 (hg19) VCF-style: chr4-151773341-G-C.
Other names: c.3521C>G, p.Ser1174Cys (NM_001199282.3, NM_001367550.1, NM_006726.5); short protein forms S1174C.
Identifiers: ClinVar variation 648946 (VCV000648946.10), dbSNP rs1578997714, ClinGen allele CA358456866.
Genomic context (GRCh38, chr4:150,852,189, plus strand): 5'-GTTTCTGGTGACATAGCTGAAGACCCTGATGCTGTCATAGTCTGAATTCCAGAATCTTTA[G>C]AATCTTGAGTTTCAGTATCAGTTTGCTTTTCAGTAACAGGTTTTCCTTCTTGAAATATTA-3'
Protein context (NP_001351834.1, residues 1164-1184): EKQTDTETQD[Ser1174Cys]KDSGIQTMTA